The following is an entry in ClinVar:

ClinVar aggregate classification (germline): Uncertain significance. Review status: criteria provided, multiple submitters, no conflicts (2 of 4 stars). 3 submissions from 3 submitters: Uncertain significance (3). Last evaluated 2025-09-04.

Conditions:
Autosomal recessive limb-girdle muscular dystrophy type 2A (LGMDR1). Also called: LEYDEN-MOEBIUS MUSCULAR DYSTROPHY; MUSCULAR DYSTROPHY, PELVOFEMORAL; Limb-girdle muscular dystrophy, type 2A; Muscular dystrophy, limb-girdle, type 2A, Amish; Calpainopathy. Identifiers: Orphanet 267, MedGen C1869123, MONDO:0009675, OMIM 253600. Disease mechanism: loss of function.

Allele frequency attached by ClinVar (database versions not stated): gnomAD exomes 0.00001 and 0.00002; ExAC 0.00002; TOPMed 0.00002; gnomAD 0.00003; ESP Exome Variant Server 0.00008.
gnomAD v4.1: 9 of 1,613,952 alleles (0.00056%); highest among the groups gnomAD compares: Admixed American, 0.0033%; no homozygotes.

Submissions (3):

Labcorp Genetics (formerly Invitae), Labcorp
Classification: Uncertain significance for Autosomal recessive limb-girdle muscular dystrophy type 2A. Last evaluated: 2025-09-04. Review status: criteria provided, single submitter. Criteria: Invitae Variant Classification Sherloc (09022015). Collection method: clinical testing. Allele origin: germline.
Comment: This sequence change replaces valine, which is neutral and non-polar, with methionine, which is neutral and non-polar, at codon 590 of the CAPN3 protein (p.Val590Met). This variant is present in population databases (rs370809015, gnomAD 0.006%). This variant has not been reported in the literature in individuals affected with CAPN3-related conditions. ClinVar contains an entry for this variant (Variation ID: 315896). Invitae Evidence Modeling of protein sequence and biophysical properties (such as structural, functional, and spatial information, amino acid conservation, physicochemical variation, residue mobility, and thermodynamic stability) indicates that this missense variant is not expected to disrupt CAPN3 protein function with a negative predictive value of 80%. In summary, the available evidence is currently insufficient to determine the role of this variant in disease. Therefore, it has been classified as a Variant of Uncertain Significance.

Mayo Clinic Laboratories, Mayo Clinic
Classification: Uncertain significance. Last evaluated: 2025-08-03. Review status: criteria provided, single submitter. Criteria: ACMG Guidelines, 2015. Collection method: clinical testing. Allele origin: germline. Observed: 1 variant allele.

Illumina Laboratory Services, Illumina
Classification: Uncertain significance for Limb-girdle muscular dystrophy, type 2A. Last evaluated: 2018-01-13. Review status: criteria provided, single submitter. Criteria: ICSL Variant Classification Criteria 13 December 2019. Collection method: clinical testing. Allele origin: germline.

NM_000070.3(CAPN3):c.1768G>A (p.Val590Met)

Gene: CAPN3 (calpain 3; plus strand). Cytogenetic location: 15q15.1.
Variant type: single nucleotide variant.
Coding change: c.1768G>A on transcript NM_000070.3 (MANE Select); coding-DNA position 1768, G replaced by A.
Protein change: p.Val590Met; replaces valine 590 with methionine.
Molecular consequence: missense variant.
Genome position (GRCh38, 1-based): chr15:42,403,763, G>A. VCF-style: chr15-42403763-G-A. GRCh37 (hg19) VCF-style: chr15-42695961-G-A.
Other names: p.Val590Met; c.1768G>A, p.Val590Met (NM_024344.2); c.1624G>A, p.Val542Met (NM_173087.2); c.232G>A, p.Val78Met (NM_173088.2); short protein forms V590M, V542M, V78M.
Identifiers: ClinVar variation 315896 (VCV000315896.8), dbSNP rs370809015, ClinGen allele CA7511496.
Genomic context (GRCh38, chr15:42,403,763, plus strand): 5'-GGTGACACTGAGACCCCACATGTCTGTATTCCTCACAGGGAAGTTGAAAATACCATCTCC[G>A]TGGATCGGCCAGTGGTGAGTGGTTTAGATCTTCTGTGCGAAAAGTCCAGAGGGTCCCCTT-3'
Protein context (NP_000061.1, residues 580-600): LSEEVENTIS[Val590Met]DRPVKKKKTK